The following is an entry in ClinVar:

NM_020800.3(IFT80):c.869dup (p.Asn290fs)

Genes: TRIM59-IFT80 (TRIM59-IFT80 readthrough (NMD candidate); minus strand), IFT80 (intraflagellar transport 80; minus strand). Cytogenetic location: 3q25.33.
Variant type: Duplication.
Coding change: c.869dup on transcript NM_020800.3 (MANE Select); coding-DNA position 869, one base duplicated (A; older notation c.869dupA).
Protein change: p.Asn290fs; shifts the reading frame from asparagine 290.
Molecular consequence: frameshift variant. On other transcripts: non-coding transcript variant (3).
Genome position (GRCh38, 1-based): chr3:160,319,848, T duplicated on the plus strand (A on the coding strand, the reverse complement: IFT80 is on the minus strand); the first of 3 consecutive T bases (chr3:160,319,848-160,319,850); duplicating any one gives the same sequence. VCF-style (leftmost placement, unchanged base first): chr3-160319847-A-AT. GRCh37 (hg19) VCF-style: chr3-160037635-A-AT.
Other names: c.458dup, p.Asn153fs (NM_001190241.2, NM_001190242.2); short protein forms N290fs, N153fs.
Identifiers: ClinVar variation 373566 (VCV000373566.6), dbSNP rs773858865, ClinGen allele CA2685324.

ClinVar aggregate classification (germline): Pathogenic. Review status: criteria provided, multiple submitters, no conflicts (2 of 4 stars). 2 submissions from 2 submitters: Pathogenic (2). Last evaluated 2022-08-09.

Conditions:
Jeune thoracic dystrophy. Also called: Jeune syndrome; Infantile thoracic dystrophy; Thoracic pelvic phalangeal dystrophy; Jeune's syndrome; Chondroectodermal dysplasia-like syndrome; Short-rib thoracic dysplasia. Identifiers: Orphanet 474, MedGen C0265275, MONDO:0018770.

Submissions (2):

Labcorp Genetics (formerly Invitae), Labcorp
Classification: Pathogenic for Jeune thoracic dystrophy. Last evaluated: 2022-08-09. Review status: criteria provided, single submitter. Criteria: Invitae Variant Classification Sherloc (09022015). Collection method: clinical testing. Allele origin: germline.
Comment: This sequence change creates a premature translational stop signal (p.Asn290Lysfs*33) in the IFT80 gene. It is expected to result in an absent or disrupted protein product. Loss-of-function variants in IFT80 are known to be pathogenic (PMID: 21227999, 23339108, 29068549). This variant is present in population databases (rs773858865, gnomAD 0.003%). This variant has not been reported in the literature in individuals affected with IFT80-related conditions. ClinVar contains an entry for this variant (Variation ID: 373566). For these reasons, this variant has been classified as Pathogenic.

GeneDx
Classification: Pathogenic. Last evaluated: 2016-11-21. Review status: criteria provided, single submitter. Criteria: GeneDx Variant Classification (06012015). Collection method: clinical testing. Allele origin: germline. Affected: yes.
Comment: The c.869dupA pathogenic variant in the IFT80 gene has not been reported previously as a pathogenic variant, nor as a benign variant, to our knowledge. The c.869dupA variant causes a frameshift starting with codon Asparagine 290, changes this amino acid to a Lysine residue, and creates a premature Stop codon at position 33 of the new reading frame, denoted p.Asn290LysfsX33. This variant is predicted to cause loss of normal protein function either through protein truncation or nonsense-mediated mRNA decay. The c.869dupA variant was not observed in approximately 6,500 individuals of European and African American ancestry in the NHLBI Exome Sequencing Project, indicating it is not a common benign variant in these populations. We interpret c.869dupA as a pathogenic variant.

Literature cited by the submitters: PubMed 21227999 (cited by Labcorp Genetics (formerly Invitae), Labcorp); PubMed 23339108 (cited by Labcorp Genetics (formerly Invitae), Labcorp); PubMed 29068549 (cited by Labcorp Genetics (formerly Invitae), Labcorp).